The following is an entry in ClinVar:

NM_000346.4(SOX9):c.1353C>G (p.Tyr451Ter)

Gene: SOX9 (SRY-box transcription factor 9; plus strand). Cytogenetic location: 17q24.3.
Variant type: single nucleotide variant.
Coding change: c.1353C>G on transcript NM_000346.4 (MANE Select); coding-DNA position 1353, C replaced by G.
Protein change: p.Tyr451Ter; replaces tyrosine 451 with a stop codon.
Molecular consequence: nonsense.
Genome position (GRCh38, 1-based): chr17:72,124,210, C>G. VCF-style: chr17-72124210-C-G. GRCh37 (hg19) VCF-style: chr17-70120351-C-G.
Other names: short protein forms Y451*.
Identifiers: ClinVar variation 5000291 (VCV005000291.1).
Genomic context (GRCh38, chr17:72,124,210, plus strand): 5'-CTACCCGCCCATCACCCGCTCACAGTACGACTACACCGACCACCAGAACTCCAGCTCCTA[C>G]TACAGCCACGCGGCAGGCCAGGGCACCGGCCTCTACTCCACCTTCACCTACATGAACCCC-3'

ClinVar aggregate classification (germline): Likely pathogenic (1 of 4 stars; one submission).

Conditions:
SOX9-related disorder. Also called: SOX9-related condition.

Submission:

PreventionGenetics, part of Exact Sciences
Classification: Likely pathogenic for SOX9-related condition. Last evaluated: 2025-03-23. Review status: criteria provided, single submitter. Criteria: ACMG Guidelines, 2015. Collection method: clinical testing. Allele origin: germline.
Comment: The SOX9 c.1353C>G variant is predicted to result in premature protein termination (p.Tyr451*). To our knowledge, this variant has not been reported in the literature or in a large population database (gnomAD), indicating this variant is rare. Nonsense variants in SOX9 are expected to be pathogenic. This variant is interpreted as likely pathogenic.